The following is an entry in ClinVar:

NM_206933.4(USH2A):c.458G>T (p.Trp153Leu)

Gene: USH2A (usherin; minus strand). Cytogenetic location: 1q41.
Variant type: single nucleotide variant.
Coding change: c.458G>T on transcript NM_206933.4 (MANE Select); coding-DNA position 458, G replaced by T.
Protein change: p.Trp153Leu; replaces tryptophan 153 with leucine.
Molecular consequence: missense variant.
Genome position (GRCh38, 1-based): chr1:216,421,879, C>A on the plus strand (G>T on the coding strand, the complement: USH2A is on the minus strand). VCF-style: chr1-216421879-C-A. GRCh37 (hg19) VCF-style: chr1-216595221-C-A.
Other names: c.458G>T, p.Trp153Leu (NM_007123.6); short protein forms W153L.
Identifiers: ClinVar variation 851251 (VCV000851251.10), dbSNP rs2039682218, ClinGen allele CA344903741.

ClinVar aggregate classification (germline): Uncertain significance (1 of 4 stars; one submission).

Submission:

Labcorp Genetics (formerly Invitae), Labcorp
Classification: Uncertain significance. Last evaluated: 2020-10-08. Review status: criteria provided, single submitter. Criteria: Invitae Variant Classification Sherloc (09022015). Collection method: clinical testing. Allele origin: germline.
Comment: This variant has not been reported in the literature in individuals with USH2A-related conditions. ClinVar contains an entry for this variant (Variation ID: 851251). In summary, the available evidence is currently insufficient to determine the role of this variant in disease. Therefore, it has been classified as a Variant of Uncertain Significance. Algorithms developed to predict the effect of missense changes on protein structure and function are either unavailable or do not agree on the potential impact of this missense change (SIFT: "Deleterious"; PolyPhen-2: "Probably Damaging"; Align-GVGD: "Class C0"). This variant is not present in population databases (ExAC no frequency). This sequence change replaces tryptophan with leucine at codon 153 of the USH2A protein (p.Trp153Leu). The tryptophan residue is highly conserved and there is a small physicochemical difference between tryptophan and leucine.